The following is an entry in ClinVar:

NM_000057.4(BLM):c.77G>A (p.Ser26Asn)

Gene: BLM (BLM RecQ like helicase; plus strand). Cytogenetic location: 15q26.1.
Variant type: single nucleotide variant.
Coding change: c.77G>A on transcript NM_000057.4 (MANE Select); coding-DNA position 77, G replaced by A.
Protein change: p.Ser26Asn; replaces serine 26 with asparagine.
Molecular consequence: missense variant. On other transcripts: 5 prime UTR variant (1).
Genome position (GRCh38, 1-based): chr15:90,747,469, G>A. VCF-style: chr15-90747469-G-A. GRCh37 (hg19) VCF-style: chr15-91290699-G-A.
Other names: c.77G>A, p.Ser26Asn (NM_001287246.2, NM_001287247.2); c.-1215G>A (NM_001287248.2); short protein forms S26N.
Identifiers: ClinVar variation 3224906 (VCV003224906.2), dbSNP rs1895535200, ClinGen allele CA393838968.

ClinVar aggregate classification (germline): Uncertain significance. Review status: criteria provided, multiple submitters, no conflicts (2 of 4 stars). 2 submissions from 2 submitters: Uncertain significance (2). Last evaluated 2025-06-17.

Conditions:
Hereditary cancer-predisposing syndrome. Also called: Neoplastic Syndromes, Hereditary; Tumor predisposition; Hereditary neoplastic syndrome; Hereditary Cancer Syndrome. Identifiers: Orphanet 140162, MedGen C0027672, MeSH D009386, MONDO:0015356.
Bloom syndrome (BLM). Also called: Bloom-Torre-Machacek syndrome. Identifiers: Orphanet 125, MedGen C0005859, MONDO:0008876, OMIM 210900.

Submissions (2):

Labcorp Genetics (formerly Invitae), Labcorp
Classification: Uncertain significance for Bloom syndrome. Last evaluated: 2025-06-17. Review status: criteria provided, single submitter. Criteria: Invitae Variant Classification Sherloc (09022015). Collection method: clinical testing. Allele origin: germline.
Comment: This sequence change replaces serine, which is neutral and polar, with asparagine, which is neutral and polar, at codon 26 of the BLM protein (p.Ser26Asn). This variant is not present in population databases (gnomAD no frequency). This variant has not been reported in the literature in individuals affected with BLM-related conditions. ClinVar contains an entry for this variant (Variation ID: 3224906). An algorithm developed to predict the effect of missense changes on protein structure and function outputs the following: PolyPhen-2: "Benign". The asparagine amino acid residue is found in multiple mammalian species, which suggests that this missense change does not adversely affect protein function. In summary, the available evidence is currently insufficient to determine the role of this variant in disease. Therefore, it has been classified as a Variant of Uncertain Significance.

Ambry Genetics
Classification: Uncertain significance for Hereditary cancer-predisposing syndrome. Last evaluated: 2024-01-25. Review status: criteria provided, single submitter. Criteria: Ambry Variant Classification Scheme 2023. Collection method: clinical testing. Allele origin: germline.
Comment: The p.S26N variant (also known as c.77G>A), located in coding exon 1 of the BLM gene, results from a G to A substitution at nucleotide position 77. The serine at codon 26 is replaced by asparagine, an amino acid with highly similar properties. This amino acid position is conserved. In addition, this alteration is predicted to be tolerated by in silico analysis. Based on the available evidence, the clinical significance of this alteration remains unclear.